The following is an entry in ClinVar:

ClinVar aggregate classification (germline): Likely pathogenic (1 of 4 stars; one submission).

Conditions:
Beta-D-mannosidosis (MANSB). Also called: Beta-Mannosidosis; MANNOSIDOSIS, BETA A, LYSOSOMAL; BETA-MANNOSIDASE DEFICIENCY; LYSOSOMAL BETA-MANNOSIDASE DEFICIENCY. Identifiers: Orphanet 118, MedGen C4048196, MONDO:0009562, OMIM 248510.

Submission:

Labcorp Genetics (formerly Invitae), Labcorp
Classification: Likely pathogenic for Beta-D-mannosidosis. Last evaluated: 2023-07-09. Review status: criteria provided, single submitter. Criteria: Invitae Variant Classification Sherloc (09022015). Collection method: clinical testing. Allele origin: germline.
Comment: In summary, the currently available evidence indicates that the variant is pathogenic, but additional data are needed to prove that conclusively. Therefore, this variant has been classified as Likely Pathogenic. Algorithms developed to predict the effect of sequence changes on RNA splicing suggest that this variant may disrupt the consensus splice site. This variant has not been reported in the literature in individuals affected with MANBA-related conditions. This variant is not present in population databases (gnomAD no frequency). This sequence change affects an acceptor splice site in intron 5 of the MANBA gene. It is expected to disrupt RNA splicing. Variants that disrupt the donor or acceptor splice site typically lead to a loss of protein function (PMID: 16199547), and loss-of-function variants in MANBA are known to be pathogenic (PMID: 9384606, 12468273).

Literature cited by the submitters: PubMed 16199547; PubMed 9384606; PubMed 12468273.

NM_005908.4(MANBA):c.674-1G>C

Gene: MANBA (mannosidase beta; minus strand). Cytogenetic location: 4q24.
Variant type: single nucleotide variant.
Coding change: c.674-1G>C on transcript NM_005908.4 (MANE Select); the canonical splice acceptor site of the intron before coding-DNA position 674, G replaced by C.
Molecular consequence: splice acceptor variant.
Genome position (GRCh38, 1-based): chr4:102,690,772, C>G on the plus strand (G>C on the coding strand, the complement: MANBA is on the minus strand). VCF-style: chr4-102690772-C-G. GRCh37 (hg19) VCF-style: chr4-103611929-C-G.
Identifiers: ClinVar variation 2739258 (VCV002739258.3), dbSNP rs2476807665, ClinGen allele CA357770363.